The following is an entry in ClinVar:

ClinVar aggregate classification (germline): Uncertain significance. Review status: criteria provided, multiple submitters, no conflicts (2 of 4 stars). 3 submissions from 3 submitters: Uncertain significance (2). 1 of the submissions does not count toward it. Last evaluated 2025-03-14.

Conditions:
TRMU-related disorder. Also called: TRMU-related condition.

Allele frequency attached by ClinVar (database versions not stated): gnomAD 0.00001 and 0.00002; ExAC 0.00002; TOPMed 0.00002; gnomAD exomes 0.00004.
gnomAD v4.1: 46 of 1,614,174 alleles (0.0028%); highest among the groups gnomAD compares: East Asian, 0.0067%; 1 homozygote.

Submissions (3):

GeneDx
Classification: Uncertain significance. Last evaluated: 2025-03-14. Review status: criteria provided, single submitter. Criteria: GeneDx Variant Classification Process June 2021. Collection method: clinical testing. Allele origin: germline. Affected: yes.
Comment: Not observed at significant frequency in large population cohorts (gnomAD); Has not been previously published as pathogenic or benign to our knowledge; In silico analysis is inconclusive as to whether the variant alters gene splicing. In the absence of RNA/functional studies, the actual effect of this sequence change is unknown.

Eurofins Ntd Llc (ga)
Classification: Uncertain significance. Last evaluated: 2017-12-13. Review status: criteria provided, single submitter. Criteria: EGL Classification Definitions 2015. Collection method: clinical testing. Allele origin: germline. Observed: 1 variant allele, 1 heterozygote.

PreventionGenetics, part of Exact Sciences
Classification: Uncertain significance for TRMU-related condition. Last evaluated: 2024-07-01. Review status: no assertion criteria provided. Collection method: clinical testing. Allele origin: germline. Not counted in ClinVar's aggregate classification.
Comment: The TRMU c.705+5G>A variant is predicted to interfere with splicing. To our knowledge, this variant has not been reported in the literature. This variant is reported in 0.0098% of alleles in individuals of South Asian descent in gnomAD. This variant is predicted to alter splicing based on available splicing prediction programs (SpliceAI, Jaganathan et al. 2019. PubMed ID: 30661751). Although we suspect that this variant may be pathogenic, at this time, the clinical significance of this variant is uncertain due to the absence of conclusive functional and genetic evidence.

NM_018006.5(TRMU):c.705+5G>A

Gene: TRMU (tRNA mitochondrial 2-thiouridylase; plus strand). Cytogenetic location: 22q13.31.
Variant type: single nucleotide variant.
Coding change: c.705+5G>A on transcript NM_018006.5 (MANE Select); 5 bases into the intron after coding-DNA position 705, G replaced by A.
Molecular consequence: intron variant.
Genome position (GRCh38, 1-based): chr22:46,352,179, G>A. VCF-style: chr22-46352179-G-A. GRCh37 (hg19) VCF-style: chr22-46748076-G-A.
Other names: c.705+5G>A (NM_018006.4, NM_001282785.2); c.363+5G>A (NM_001282782.2); c.285+5G>A (NM_001282783.2, NM_001282784.2).
Identifiers: ClinVar variation 595369 (VCV000595369.7), dbSNP rs758584023, ClinGen allele CA10292170.